The following is an entry in ClinVar:

ClinVar aggregate classification (germline): Likely benign (0 of 4 stars; one submission).

Conditions:
GJC3-related disorder. Also called: GJC3-related condition.

Allele frequency attached by ClinVar (database versions not stated): ESP Exome Variant Server 0.00038; TOPMed 0.00092; ExAC 0.00150; 1000 Genomes Project 0.00200; 1000 Genomes Project 30x 0.00234.
gnomAD v4.1: 1,322 of 1,614,122 alleles (0.082%); highest among the groups gnomAD compares: South Asian, 0.74%; 12 homozygotes.

Submission:

PreventionGenetics, part of Exact Sciences
Classification: Likely benign for GJC3-related condition. Last evaluated: 2019-11-21. Review status: no assertion criteria provided. Collection method: clinical testing. Allele origin: germline.
Comment: This variant is classified as likely benign based on ACMG/AMP sequence variant interpretation guidelines (Richards et al. 2015 PMID: 25741868, with internal and published modifications).

NM_181538.3(GJC3):c.597C>A (p.Ser199Arg)

Gene: GJC3 (gap junction protein gamma 3; minus strand). Cytogenetic location: 7q22.1.
Variant type: single nucleotide variant.
Coding change: c.597C>A on transcript NM_181538.3 (MANE Select); coding-DNA position 597, C replaced by A.
Protein change: p.Ser199Arg; replaces serine 199 with arginine.
Molecular consequence: missense variant.
Genome position (GRCh38, 1-based): chr7:99,929,024, G>T on the plus strand (C>A on the coding strand, the complement: GJC3 is on the minus strand). VCF-style: chr7-99929024-G-T. GRCh37 (hg19) VCF-style: chr7-99526647-G-T.
Other names: short protein forms S199R.
Identifiers: ClinVar variation 3039436 (VCV003039436.2), dbSNP rs143828671, ClinGen allele CA4371232.